The following is an entry in ClinVar:

ClinVar aggregate classification (germline): Uncertain significance (1 of 4 stars; one submission).

Conditions:
RET-related disorder. Also called: RET-related condition; RET-related disease; RET-related disorders.

Submission:

PreventionGenetics, part of Exact Sciences
Classification: Uncertain significance for RET-related condition. Last evaluated: 2025-01-24. Review status: criteria provided, single submitter. Criteria: ACMG Guidelines, 2015. Collection method: clinical testing. Allele origin: germline.
Comment: The RET c.1699G>T variant is predicted to result in the amino acid substitution p.Asp567Tyr. To our knowledge, this variant has not been reported in the literature or in a large population database (gnomAD), indicating this variant is rare. At this time, the clinical significance of this variant is uncertain due to the absence of conclusive functional and genetic evidence.

NM_020975.6(RET):c.1699G>T (p.Asp567Tyr)

Gene: RET (ret proto-oncogene; plus strand). Cytogenetic location: 10q11.21.
Variant type: single nucleotide variant.
Coding change: c.1699G>T on transcript NM_020975.6 (MANE Select); coding-DNA position 1699, G replaced by T.
Protein change: p.Asp567Tyr; replaces aspartic acid 567 with tyrosine.
Molecular consequence: missense variant.
Genome position (GRCh38, 1-based): chr10:43,112,903, G>T. VCF-style: chr10-43112903-G-T. GRCh37 (hg19) VCF-style: chr10-43608351-G-T.
Other names: c.937G>T, p.Asp313Tyr (NM_001355216.2); c.1699G>T, p.Asp567Tyr (NM_001406743.1, NM_001406744.1, NM_001406759.1 and 4 more transcripts); c.1570G>T, p.Asp524Tyr (NM_001406761.1, NM_001406762.1, NM_001406764.1 and 1 more transcripts); c.1411G>T, p.Asp471Tyr (NM_001406766.1, NM_001406767.1, NM_001406770.1); c.1303G>T, p.Asp435Tyr (NM_001406769.1, NM_001406772.1); c.1261G>T, p.Asp421Tyr (NM_001406771.1, NM_001406773.1); c.1174G>T, p.Asp392Tyr (NM_001406774.1); c.973G>T, p.Asp325Tyr (NM_001406775.1, NM_001406776.1, NM_001406777.1 and 1 more transcripts); and 5 more; short protein forms D172Y, D313Y, D325Y, D392Y, D471Y, D225Y, D237Y, D268Y.
Identifiers: ClinVar variation 4999530 (VCV004999530.1).
Genomic context (GRCh38, chr10:43,112,903, plus strand): 5'-TCCTGTGCAGGGATCACCAGGAACTTCTCCACCTGCTCTCCCAGCACCAAGACCTGCCCC[G>T]ACGGCCACTGCGATGTTGTGGAGACCCAAGACATCAACATTTGCCCTCAGGACTGCCTCC-3'
Protein context (NP_066124.1, residues 557-577): TCSPSTKTCP[Asp567Tyr]GHCDVVETQD